The following is an entry in ClinVar:

ClinVar aggregate classification (germline): Conflicting classifications of pathogenicity. Review status: criteria provided, conflicting classifications (1 of 4 stars). 2 submissions from 2 submitters: Pathogenic (1); Uncertain significance (1). Last evaluated 2023-06-28.

Conditions:
Inborn genetic diseases. Identifiers: MedGen C0950123, MeSH D030342.
Complex cortical dysplasia with other brain malformations 7. Identifiers: Orphanet 300573, MedGen C3552236, MONDO:0012399, OMIM 610031.

Submissions (2):

Ambry Genetics
Classification: Pathogenic for Inborn genetic diseases. Last evaluated: 2023-06-28. Review status: criteria provided, single submitter. Criteria: Ambry Variant Classification Scheme 2023. Collection method: clinical testing. Allele origin: germline.
Comment: The c.421G>A (p.G141S) alteration is located in exon 4 (coding exon 4) of the TUBB2B gene. This alteration results from a G to A substitution at nucleotide position 421, causing the glycine (G) at amino acid position 141 to be replaced by a serine (S). This variant was not reported in population-based cohorts in the Genome Aggregation Database (gnomAD). This variant has been determined to be the result of a de novo mutation in one individual with features consistent with TUBB2B-related complex cortical dysplasia (external communication). This amino acid position is highly conserved in available vertebrate species. This alteration is predicted to be deleterious by in silico analysis. Based on the available evidence, this alteration is classified as pathogenic.

Genomic Medicine Lab, University of California San Francisco
Classification: Uncertain significance for Complex cortical dysplasia with other brain malformations 7. Last evaluated: 2020-06-18. Review status: criteria provided, single submitter. Criteria: ACMG Guidelines, 2015. Collection method: clinical testing. Allele origin: de novo. Inheritance: Autosomal dominant inheritance. Affected: yes. Study: CSER-P3EGS.

NM_178012.5(TUBB2B):c.421G>A (p.Gly141Ser)

Gene: TUBB2B (tubulin beta 2B class IIb; minus strand). Cytogenetic location: 6p25.2.
Variant type: single nucleotide variant.
Coding change: c.421G>A on transcript NM_178012.5 (MANE Select); coding-DNA position 421, G replaced by A.
Protein change: p.Gly141Ser; replaces glycine 141 with serine.
Molecular consequence: missense variant.
Genome position (GRCh38, 1-based): chr6:3,225,668, C>T on the plus strand (G>A on the coding strand, the complement: TUBB2B is on the minus strand). VCF-style: chr6-3225668-C-T. GRCh37 (hg19) VCF-style: chr6-3225902-C-T.
Other names: short protein forms G141S.
Identifiers: ClinVar variation 1065432 (VCV001065432.5), dbSNP rs1412515838, ClinGen allele CA362588777.